The following is an entry in ClinVar:

NM_001330700.2(TOP2B):c.4224T>G (p.Asp1408Glu)

Gene: TOP2B (DNA topoisomerase II beta; minus strand). Cytogenetic location: 3p24.2.
Variant type: single nucleotide variant.
Coding change: c.4224T>G on transcript NM_001330700.2 (MANE Select); coding-DNA position 4224, T replaced by G.
Protein change: p.Asp1408Glu; replaces aspartic acid 1408 with glutamic acid.
Molecular consequence: missense variant.
Genome position (GRCh38, 1-based): chr3:25,607,245, A>C on the plus strand (T>G on the coding strand, the complement: TOP2B is on the minus strand). VCF-style: chr3-25607245-A-C. GRCh37 (hg19) VCF-style: chr3-25648736-A-C.
Other names: c.4209T>G, p.Asp1403Glu (NM_001068.3); c.4209T>G (NM_001068.2); short protein forms D1403E, D1408E.
Identifiers: ClinVar variation 1411022 (VCV001411022.9), dbSNP rs200166487, ClinGen allele CA2288139.
Genomic context (GRCh38, chr3:25,607,245, plus strand): 5'-TGATTTGCCTGGTGAAAATGTATATTCATCTTTATCTAACCCATCTGAAGGAACAAATTC[A>C]TCTTCCCCATCATTTGTTATGGGAGATGCTTTAACTTTCAATTCCTCTAAATCATTATTG-3'
Protein context (NP_001317629.1, residues 1398-1418): KASPITNDGE[Asp1408Glu]EFVPSDGLDK

ClinVar aggregate classification (germline): Uncertain significance. Review status: criteria provided, multiple submitters, no conflicts (2 of 4 stars). 2 submissions from 2 submitters: Uncertain significance (2). Last evaluated 2025-06-18.

Allele frequency attached by ClinVar (database versions not stated): gnomAD 0.00002 and 0.00003; gnomAD exomes 0.00003; TOPMed 0.00005; ExAC 0.00011; ESP Exome Variant Server 0.00042.

Submissions (2):

Labcorp Genetics (formerly Invitae), Labcorp
Classification: Uncertain significance. Last evaluated: 2025-06-18. Review status: criteria provided, single submitter. Criteria: Invitae Variant Classification Sherloc (09022015). Collection method: clinical testing. Allele origin: germline.
Comment: This sequence change replaces aspartic acid, which is acidic and polar, with glutamic acid, which is acidic and polar, at codon 1403 of the TOP2B protein (p.Asp1403Glu). This variant is present in population databases (rs200166487, gnomAD 0.01%). This variant has not been reported in the literature in individuals affected with TOP2B-related conditions. ClinVar contains an entry for this variant (Variation ID: 1411022). An algorithm developed to predict the effect of missense changes on protein structure and function (PolyPhen-2) suggests that this variant is likely to be tolerated. In summary, the available evidence is currently insufficient to determine the role of this variant in disease. Therefore, it has been classified as a Variant of Uncertain Significance.

Ambry Genetics
Classification: Uncertain significance. Last evaluated: 2021-10-14. Review status: criteria provided, single submitter. Criteria: Ambry Variant Classification Scheme 2023. Collection method: clinical testing. Allele origin: germline.